The following is an entry in ClinVar:

ClinVar aggregate classification (germline): Uncertain significance. Review status: criteria provided, multiple submitters, no conflicts (2 of 4 stars). 2 submissions from 2 submitters: Uncertain significance (2). Last evaluated 2024-09-10.

Conditions:
Neurofibromatosis, type 1 (NF1). Also called: Peripheral type neurofibromatosis; VON RECKLINGHAUSEN DISEASE; Neurofibromatosis, type I; NEUROFIBROMATOSIS, TYPE I, SOMATIC. Identifiers: Orphanet 636, MedGen C0027831, MONDO:0018975, OMIM 162200. Disease mechanism: loss of function.
Hereditary cancer-predisposing syndrome. Also called: Hereditary neoplastic syndrome; Hereditary Cancer Syndrome; Neoplastic Syndromes, Hereditary; Tumor predisposition. Identifiers: Orphanet 140162, MedGen C0027672, MeSH D009386, MONDO:0015356.
Cardiovascular phenotype. Identifiers: MedGen CN230736.

Allele frequency attached by ClinVar (database versions not stated): TOPMed below 0.00001.

Submissions (2):

Ambry Genetics
Classification: Uncertain significance for Cardiovascular phenotype; Hereditary cancer-predisposing syndrome. Last evaluated: 2024-09-10. Review status: criteria provided, single submitter. Criteria: Ambry Variant Classification Scheme 2023. Collection method: clinical testing. Allele origin: germline.
Comment: The p.L1601F variant (also known as c.4803G>T), located in coding exon 36 of the NF1 gene, results from a G to T substitution at nucleotide position 4803. The leucine at codon 1601 is replaced by phenylalanine, an amino acid with highly similar properties. This amino acid position is conserved. In addition, the in silico prediction for this alteration is inconclusive. Based on the available evidence, the clinical significance of this variant remains unclear.

Labcorp Genetics (formerly Invitae), Labcorp
Classification: Uncertain significance for Neurofibromatosis, type 1. Last evaluated: 2022-12-31. Review status: criteria provided, single submitter. Criteria: Invitae Variant Classification Sherloc (09022015). Collection method: clinical testing. Allele origin: germline.
Comment: Advanced modeling of protein sequence and biophysical properties (such as structural, functional, and spatial information, amino acid conservation, physicochemical variation, residue mobility, and thermodynamic stability) has been performed at Invitae for this missense variant, however the output from this modeling did not meet the statistical confidence thresholds required to predict the impact of this variant on NF1 protein function. This variant has not been reported in the literature in individuals affected with NF1-related conditions. In summary, the available evidence is currently insufficient to determine the role of this variant in disease. Therefore, it has been classified as a Variant of Uncertain Significance. This variant is not present in population databases (gnomAD no frequency). This sequence change replaces leucine, which is neutral and non-polar, with phenylalanine, which is neutral and non-polar, at codon 1601 of the NF1 protein (p.Leu1601Phe).

NM_001042492.3(NF1):c.4866G>T (p.Leu1622Phe)

Gene: NF1 (neurofibromin 1; plus strand). Cytogenetic location: 17q11.2.
Variant type: single nucleotide variant.
Coding change: c.4866G>T on transcript NM_001042492.3 (MANE Select); coding-DNA position 4866, G replaced by T.
Protein change: p.Leu1622Phe; replaces leucine 1622 with phenylalanine.
Molecular consequence: missense variant.
Genome position (GRCh38, 1-based): chr17:31,325,850, G>T. VCF-style: chr17-31325850-G-T. GRCh37 (hg19) VCF-style: chr17-29652868-G-T.
Other names: c.4803G>T, p.Leu1601Phe (NM_000267.4); short protein forms L1622F, L1601F.
Identifiers: ClinVar variation 3007521 (VCV003007521.4), dbSNP rs2069325971, ClinGen allele CA399006989.